The following is an entry in ClinVar:

ClinVar aggregate classification (germline): Uncertain significance (0 of 4 stars; one submission).

Conditions:
Combined oxidative phosphorylation defect type 26 (PNSED). Also called: Combined oxidative phosphorylation deficiency 26; PERIPHERAL NEUROPATHY WITH VARIABLE SPASTICITY, EXERCISE INTOLERANCE, AND DEVELOPMENTAL DELAY. Identifiers: Orphanet 477684, MedGen C5567741, MONDO:0014684, OMIM 616539.

Submission:

Hong-Tao Li Lab, Institute of Brain Science and Brain-inspired Research, Shandong First Medical University & Shandong Academy of Medical Sciences China
Classification: Uncertain significance for Combined oxidative phosphorylation defect type 26. Review status: no assertion criteria provided. Collection method: research. Allele origin: germline. Inheritance: Autosomal recessive inheritance. Affected: yes. Observed: 1 variant allele, 1 homozygote.
Comment: Observed in affected individuals from a Pakistani neurodevelopmental-disorder research cohort of 263 individuals. Classification assigned using the ACMG/AMP framework.

NM_020810.3(TRMT5):c.793G>T (p.Val265Phe)

Gene: TRMT5 (tRNA methyltransferase 5; minus strand). Cytogenetic location: 14q23.1.
Variant type: single nucleotide variant.
Coding change: c.793G>T on transcript NM_020810.3 (MANE Select); coding-DNA position 793, G replaced by T.
Protein change: p.Val265Phe; replaces valine 265 with phenylalanine.
Molecular consequence: missense variant.
Genome position (GRCh38, 1-based): chr14:60,976,126, C>A on the plus strand (G>T on the coding strand, the complement: TRMT5 is on the minus strand). VCF-style: chr14-60976126-C-A. GRCh37 (hg19) VCF-style: chr14-61442844-C-A.
Other names: c.877G>T, p.Val293Phe (NM_001350253.1); c.874G>T, p.Val292Phe (NM_001350254.1); short protein forms V265F, V292F, V293F.
Identifiers: ClinVar variation 4884808 (VCV004884808.1).
Genomic context (GRCh38, chr14:60,976,126, plus strand): 5'-GACGAGGATTCCAATAGACTTTTGAAAAATCAAATTCATAGGTGTAGTTGTTTTCTCGAA[C>A]CTGAAAAAAGGTGTTATGCTTTTTGGTTAATTTCCTTGGTCCTAAATCCTAACCATTGAT-3'
Protein context (NP_065861.3, residues 255-275): LSGEQNMMTK[Val265Phe]RENNYTYEFD